The following is an entry in ClinVar:

ClinVar aggregate classification (germline): Uncertain significance (1 of 4 stars; one submission).

Submission:

Labcorp Genetics (formerly Invitae), Labcorp
Classification: Uncertain significance. Last evaluated: 2024-05-24. Review status: criteria provided, single submitter. Criteria: Invitae Variant Classification Sherloc (09022015). Collection method: clinical testing. Allele origin: germline.
Comment: This sequence change replaces proline, which is neutral and non-polar, with serine, which is neutral and polar, at codon 45 of the ZNF408 protein (p.Pro45Ser). This variant is not present in population databases (gnomAD no frequency). This variant has not been reported in the literature in individuals affected with ZNF408-related conditions. ClinVar contains an entry for this variant (Variation ID: 1949826). An algorithm developed to predict the effect of missense changes on protein structure and function (PolyPhen-2) suggests that this variant is likely to be tolerated. In summary, the available evidence is currently insufficient to determine the role of this variant in disease. Therefore, it has been classified as a Variant of Uncertain Significance.

NM_024741.3(ZNF408):c.133C>T (p.Pro45Ser)

Gene: ZNF408 (zinc finger protein 408; plus strand). Cytogenetic location: 11p11.2.
Variant type: single nucleotide variant.
Coding change: c.133C>T on transcript NM_024741.3 (MANE Select); coding-DNA position 133, C replaced by T.
Protein change: p.Pro45Ser; replaces proline 45 with serine.
Molecular consequence: missense variant.
Genome position (GRCh38, 1-based): chr11:46,701,479, C>T. VCF-style: chr11-46701479-C-T. GRCh37 (hg19) VCF-style: chr11-46723029-C-T.
Other names: c.109C>T, p.Pro37Ser (NM_001184751.2); short protein forms P37S, P45S.
Identifiers: ClinVar variation 1949826 (VCV001949826.5), dbSNP rs752146947, ClinGen allele CA380251584.
Genomic context (GRCh38, chr11:46,701,479, plus strand): 5'-CTGGACTTAGGATGGAACCCTTCCGGAGAAGGCTGTACGCAGGGCCTCAAAGACGTCCCA[C>T]CCGAGCCGACCCGAGACATCCTCGCTTTAAAGAGCCTTCCCCGGGGCTTGGCCCTTGGCC-3'
Protein context (NP_079017.1, residues 35-55): GCTQGLKDVP[Pro45Ser]EPTRDILALK